The following is an entry in ClinVar:

ClinVar aggregate classification (germline): Uncertain significance. Review status: criteria provided, multiple submitters, no conflicts (2 of 4 stars). 2 submissions from 2 submitters: Uncertain significance (2). Last evaluated 2025-01-13.

Conditions:
Inborn genetic diseases. Identifiers: MedGen C0950123, MeSH D030342.

gnomAD v4.1: 2 of 1,610,996 alleles (0.00012%); highest among the groups gnomAD compares: Non-Finnish European, 0.000085%; no homozygotes.

Submissions (2):

Ambry Genetics
Classification: Uncertain significance for Inborn genetic diseases. Last evaluated: 2025-01-13. Review status: criteria provided, single submitter. Criteria: Ambry Variant Classification Scheme 2023. Collection method: clinical testing. Allele origin: germline.
Comment: The p.S1011A variant (also known as c.3031T>G), located in coding exon 14 of the MECOM gene, results from a T to G substitution at nucleotide position 3031. The serine at codon 1011 is replaced by alanine, an amino acid with similar properties. This amino acid position is conserved. In addition, this alteration is predicted to be tolerated by in silico analysis. Based on the available evidence, the clinical significance of this variant remains unclear.

Labcorp Genetics (formerly Invitae), Labcorp
Classification: Uncertain significance. Last evaluated: 2024-10-17. Review status: criteria provided, single submitter. Criteria: Invitae Variant Classification Sherloc (09022015). Collection method: clinical testing. Allele origin: germline.
Comment: This sequence change replaces serine, which is neutral and polar, with alanine, which is neutral and non-polar, at codon 823 of the MECOM protein (p.Ser823Ala). This variant is present in population databases (rs751214857, gnomAD 0.0009%). This variant has not been reported in the literature in individuals affected with MECOM-related conditions. An algorithm developed to predict the effect of missense changes on protein structure and function (PolyPhen-2) suggests that this variant is likely to be disruptive. In summary, the available evidence is currently insufficient to determine the role of this variant in disease. Therefore, it has been classified as a Variant of Uncertain Significance.

NM_004991.4(MECOM):c.3031T>G (p.Ser1011Ala)

Gene: MECOM (MDS1 and EVI1 complex locus; minus strand). Cytogenetic location: 3q26.2.
Variant type: single nucleotide variant.
Coding change: c.3031T>G on transcript NM_004991.4 (MANE Select); coding-DNA position 3031, T replaced by G.
Protein change: p.Ser1011Ala; replaces serine 1011 with alanine.
Molecular consequence: missense variant.
Genome position (GRCh38, 1-based): chr3:169,093,091, A>C on the plus strand (T>G on the coding strand, the complement: MECOM is on the minus strand). VCF-style: chr3-169093091-A-C. GRCh37 (hg19) VCF-style: chr3-168810879-A-C.
Other names: c.3031T>G (NM_004991.3); c.2662T>G, p.Ser888Ala (NM_001105077.4); c.2467T>G, p.Ser823Ala (NM_001105078.4, NM_001205194.2, NM_001366469.2 and 1 more transcripts); c.2443T>G, p.Ser815Ala (NM_001163999.2, NM_001366470.2); c.2440T>G, p.Ser814Ala (NM_001164000.2, NM_001366471.2, NM_001366472.2); c.3004T>G, p.Ser1002Ala (NM_001366466.2); c.2470T>G, p.Ser824Ala (NM_001366467.2, NM_001366468.2); c.2032T>G, p.Ser678Ala (NM_001366473.2); and 1 more; short protein forms S1002A, S490A, S1011A, S814A, S815A, S824A, S678A, S823A.
Identifiers: ClinVar variation 3691227 (VCV003691227.3).